The following is an entry in ClinVar:

NM_000138.5(FBN1):c.4282C>T (p.Arg1428Cys)

Genes: FBN1 (fibrillin 1; minus strand), LOC126862124 (CDK7 strongly-dependent group 2 enhancer GRCh37_chr15:48764566-48765765; plus strand). Cytogenetic location: 15q21.1.
Variant type: single nucleotide variant.
Coding change: c.4282C>T on transcript NM_000138.5 (MANE Select); coding-DNA position 4282, C replaced by T.
Protein change: p.Arg1428Cys; replaces arginine 1428 with cysteine.
Molecular consequence: missense variant.
Genome position (GRCh38, 1-based): chr15:48,472,605, G>A on the plus strand (C>T on the coding strand, the complement: FBN1 is on the minus strand). VCF-style: chr15-48472605-G-A. GRCh37 (hg19) VCF-style: chr15-48764802-G-A.
Other names: short protein forms R1428C.
Identifiers: ClinVar variation 660076 (VCV000660076.18), dbSNP rs1258352189, ClinGen allele CA392317759.
Genomic context (GRCh38, chr15:48,472,605, plus strand): 5'-AGTTACCTTCACAGGCTTTCCCGTCAGCACTGGGCACGAAGCCCATGTCGCATTCACAGC[G>A]GTATCCTCCTGGTGCATTGAGGCACTGGCCATTGCCACAGAGATTCAGGTTCTCAGAGCA-3'
Protein context (NP_000129.3, residues 1418-1438): GQCLNAPGGY[Arg1428Cys]CECDMGFVPS

ClinVar aggregate classification (germline): Conflicting classifications of pathogenicity. Review status: criteria provided, conflicting classifications (1 of 4 stars). 6 submissions from 6 submitters: Likely pathogenic (1); Uncertain significance (5). Last evaluated 2025-11-10.

Conditions:
Familial thoracic aortic aneurysm and aortic dissection (TAAD). Also called: Thoracic aortic aneurysms and dissections. Identifiers: Orphanet 91387, MedGen C4707243, MONDO:0019625.
Marfan syndrome (MFS). Also called: FBN1-Related Marfan Syndrome; Marfan syndrome type 1; Marfan's syndrome; Marfan syndrome, classic; MARFAN SYNDROME, TYPE I. Identifiers: Orphanet 284963, Orphanet 558, MedGen C0024796, MONDO:0007947, OMIM 154700.
Weill-Marchesani syndrome 2, dominant. Also called: Weill-Marchesani Syndrome, Autosomal Dominant; FBN1-Related Weill-Marchesani Syndrome. Identifiers: Orphanet 2084, MedGen C1869115, MONDO:0012013, OMIM 608328.
Progeroid and marfanoid aspect-lipodystrophy syndrome. Also called: Marfan lipodystrophy syndrome; MARFANOID-PROGEROID SYNDROME; MARFAN-PROGEROID-LIPODYSTROPHY SYNDROME; MARFANOID-PROGEROID-LIPODYSTROPHY SYNDROME. Identifiers: Orphanet 300382, MedGen C4310796, MONDO:0014831, OMIM 616914.
Stiff skin syndrome (SSKS). Identifiers: Orphanet 2833, MedGen C1861456, MONDO:0008492, OMIM 184900.
Acromicric dysplasia (ACMICD). Also called: Acromicric skeletal dysplasia. Identifiers: Orphanet 969, MedGen C0265287, MONDO:0007055, OMIM 102370.
Geleophysic dysplasia 2 (GPHYSD2). Identifiers: Orphanet 2623, MedGen C3280054, MONDO:0013612, OMIM 614185.
Ectopia lentis 1, isolated, autosomal dominant (ECTOL1). Identifiers: Orphanet 1885, MedGen C3541518, MONDO:0007514, OMIM 129600.
MASS syndrome (OCTD). Also called: MASS PHENOTYPE; OVERLAP CONNECTIVE TISSUE DISEASE. Identifiers: MedGen C1858556, MONDO:0011431, OMIM 604308.

Allele frequency attached by ClinVar (database versions not stated): gnomAD exomes 0.00001; TOPMed 0.00001.
gnomAD v4.1: 11 of 1,614,132 alleles (0.00068%); highest among the groups gnomAD compares: East Asian, 0.0067%; no homozygotes.

Submissions (6):

Labcorp Genetics (formerly Invitae), Labcorp
Classification: Uncertain significance for Marfan syndrome; Familial thoracic aortic aneurysm and aortic dissection. Last evaluated: 2025-11-10. Review status: criteria provided, single submitter. Criteria: Invitae Variant Classification Sherloc (09022015). Collection method: clinical testing. Allele origin: germline.
Comment: This sequence change replaces arginine, which is basic and polar, with cysteine, which is neutral and slightly polar, at codon 1428 of the FBN1 protein (p.Arg1428Cys). This variant is present in population databases (no rsID available, gnomAD 0.003%). This missense change has been observed in individual(s) with Marfan syndrome (PMID: 27112580). ClinVar contains an entry for this variant (Variation ID: 660076). Invitae Evidence Modeling of protein sequence and biophysical properties (such as structural, functional, and spatial information, amino acid conservation, physicochemical variation, residue mobility, and thermodynamic stability) indicates that this missense variant is expected to disrupt FBN1 protein function with a positive predictive value of 95%. This variant disrupts the p.Arg1428 amino acid residue in FBN1. Other variant(s) that disrupt this residue have been observed in individuals with FBN1-related conditions (PMID: 29357934), which suggests that this may be a clinically significant amino acid residue. In summary, the available evidence is currently insufficient to determine the role of this variant in disease. Therefore, it has been classified as a Variant of Uncertain Significance.

Color Diagnostics, LLC DBA Color Health
Classification: Uncertain significance for Familial thoracic aortic aneurysm and aortic dissection. Last evaluated: 2025-09-22. Review status: criteria provided, single submitter. Criteria: ACMG Guidelines, 2015. Collection method: clinical testing. Allele origin: germline.
Comment: This missense variant replaces arginine with cysteine at codon 1428 in EGF-like calcium-binding domain motif 24 of the FBN1 protein. Computational prediction suggests that this variant may have deleterious impact on protein structure and function. Cysteine creating variants in cbEGF-like domains have been shown to affect protein stability and are overrepresented among patients with Marfan syndrome (PMID: 15161917, 16571647, 17701892). This variant has been reported in an individual affected with Marfan syndrome (PMID: 27112580). This variant has been identified in 3/251412 chromosomes in the general population by the Genome Aggregation Database (gnomAD). The available evidence is insufficient to determine the role of this variant in disease conclusively. Therefore, this variant is classified as a Variant of Uncertain Significance

MVZ Medizinische Genetik Mainz
Classification: Likely pathogenic for Marfan syndrome. Last evaluated: 2025-03-19. Review status: criteria provided, single submitter. Criteria: UK Practice Guidelines For Variant Classification V4 01 2020. Collection method: clinical testing. Allele origin: germline. Inheritance: Autosomal dominant inheritance. Affected: yes. Observed: 1 variant allele.

All of Us Research Program, National Institutes of Health
Classification: Uncertain significance for Marfan syndrome. Last evaluated: 2023-04-03. Review status: criteria provided, single submitter. Criteria: ACMG Guidelines, 2015. Collection method: clinical testing. Allele origin: germline. Inheritance: Autosomal dominant inheritance. Observed: 1 variant allele, 1 heterozygote.
Comment: This missense variant replaces arginine with cysteine at codon 1428 in EGF-like calcium-binding domain motif 24 of the FBN1 protein. Computational prediction suggests that this variant may have deleterious impact on protein structure and function (internally defined REVEL score threshold >= 0.7, PMID: 27666373). Cysteine creating variants in cbEGF-like domains have been shown to affect protein stability and are overrepresented among patients with Marfan syndrome (PMID: 15161917, 16571647, 17701892). This variant has been reported in an individual affected with Marfan syndrome (PMID: 27112580). This variant has been identified in 3/251412 chromosomes in the general population by the Genome Aggregation Database (gnomAD). A different missense variant occurring at the same codon, p.Arg1428Pro, has also been reported in an individual affected with Marfan syndrome (PMID: 29357934), suggesting that arginine at this position is important for FBN1 protein function. Although there is a suspicion for a pathogenic role, the available evidence is insufficient to determine the role of this variant in disease conclusively. Therefore, this variant is classified as a Variant of Uncertain Significance

This study involves interpretation of variants in research participants for the purpose of population health screening. Participant phenotype was not available at the time of variant classification. Additional details can be found in publication PMID: 35346344, PMCID: PMC8962531

Blueprint Genetics
Classification: Uncertain significance. Last evaluated: 2022-12-29. Review status: criteria provided, single submitter. Criteria: ACMG Guidelines, 2015. Collection method: clinical testing. Allele origin: germline.

Fulgent Genetics
Classification: Uncertain significance for Acromicric dysplasia; Ectopia lentis 1, isolated, autosomal dominant; Marfan syndrome; Stiff skin syndrome; MASS syndrome; Weill-Marchesani syndrome 2, dominant; Geleophysic dysplasia 2; Progeroid and marfanoid aspect-lipodystrophy syndrome. Last evaluated: 2021-09-10. Review status: criteria provided, single submitter. Criteria: ACMG Guidelines, 2015. Collection method: clinical testing. Allele origin: unknown.

Literature cited by the submitters: PubMed 27112580 (cited by 3 submitters); PubMed 29357934 (cited by Labcorp Genetics (formerly Invitae), Labcorp and All of Us Research Program, National Institutes of Health); PubMed 15161917 (cited by Color Diagnostics, LLC DBA Color Health and All of Us Research Program, National Institutes of Health); PubMed 16571647 (cited by Color Diagnostics, LLC DBA Color Health and All of Us Research Program, National Institutes of Health); PubMed 17701892 (cited by Color Diagnostics, LLC DBA Color Health and All of Us Research Program, National Institutes of Health).